The following is an entry in ClinVar:

NM_004006.3(DMD):c.3272G>A (p.Cys1091Tyr)

Gene: DMD (dystrophin; minus strand). Cytogenetic location: Xp21.1.
Variant type: single nucleotide variant.
Coding change: c.3272G>A on transcript NM_004006.3 (MANE Select); coding-DNA position 3272, G replaced by A.
Protein change: p.Cys1091Tyr; replaces cysteine 1091 with tyrosine.
Molecular consequence: missense variant.
Genome position (GRCh38, 1-based): chrX:32,464,590, C>T on the plus strand (G>A on the coding strand, the complement: DMD is on the minus strand). VCF-style: chrX-32464590-C-T. GRCh37 (hg19) VCF-style: chrX-32482707-C-T.
Other names: c.3248G>A, p.Cys1083Tyr (NM_000109.4); c.3260G>A, p.Cys1087Tyr (NM_004009.3); c.2903G>A, p.Cys968Tyr (NM_004010.3); short protein forms C1083Y, C968Y, C1087Y, C1091Y.
Identifiers: ClinVar variation 1412376 (VCV001412376.10), dbSNP rs1402060578, ClinGen allele CA412664692.

ClinVar aggregate classification (germline): Uncertain significance (1 of 4 stars; one submission).

Conditions:
Duchenne muscular dystrophy (DMD). Also called: MUSCULAR DYSTROPHY, PSEUDOHYPERTROPHIC PROGRESSIVE, DUCHENNE TYPE; Duchenne Muscular Dystrophy (DMD). Identifiers: Orphanet 98896, MedGen C0013264, MONDO:0010679, OMIM 310200.

Allele frequency attached by ClinVar (database versions not stated): gnomAD exomes below 0.00001; TOPMed below 0.00001; gnomAD 0.00001.
gnomAD v4.1: 3 of 1,186,548 alleles (0.00025%); highest among the groups gnomAD compares: Non-Finnish European, 0.00034%; no homozygotes.

Submission:

Labcorp Genetics (formerly Invitae), Labcorp
Classification: Uncertain significance for Duchenne muscular dystrophy. Last evaluated: 2025-07-29. Review status: criteria provided, single submitter. Criteria: Invitae Variant Classification Sherloc (09022015). Collection method: clinical testing. Allele origin: germline.
Comment: This sequence change replaces cysteine, which is neutral and slightly polar, with tyrosine, which is neutral and polar, at codon 1091 of the DMD protein (p.Cys1091Tyr). This variant is not present in population databases (gnomAD no frequency). This variant has not been reported in the literature in individuals affected with DMD-related conditions. ClinVar contains an entry for this variant (Variation ID: 1412376). Invitae Evidence Modeling of protein sequence and biophysical properties (such as structural, functional, and spatial information, amino acid conservation, physicochemical variation, residue mobility, and thermodynamic stability) indicates that this missense variant is not expected to disrupt DMD protein function with a negative predictive value of 95%. In summary, the available evidence is currently insufficient to determine the role of this variant in disease. Therefore, it has been classified as a Variant of Uncertain Significance.